The following is an entry in ClinVar:

ClinVar aggregate classification (germline): Uncertain significance (1 of 4 stars; one submission).

Conditions:
Emery-Dreifuss muscular dystrophy 5, autosomal dominant (EDMD5). Also called: EMERY-DREIFUSS MUSCULAR DYSTROPHY 5. Identifiers: Orphanet 261, MedGen C2751805, MONDO:0013072, OMIM 612999.

Allele frequency attached by ClinVar (database versions not stated): gnomAD 0.00001; TOPMed 0.00001.
gnomAD v4.1: 6 of 1,613,252 alleles (0.00037%); highest among the groups gnomAD compares: Admixed American, 0.0017%; no homozygotes.

Submission:

Labcorp Genetics (formerly Invitae), Labcorp
Classification: Uncertain significance for Emery-Dreifuss muscular dystrophy 5, autosomal dominant. Last evaluated: 2025-12-19. Review status: criteria provided, single submitter. Criteria: Invitae Variant Classification Sherloc (09022015). Collection method: clinical testing. Allele origin: germline.
Comment: This sequence change replaces alanine, which is neutral and non-polar, with threonine, which is neutral and polar, at codon 4266 of the SYNE2 protein (p.Ala4266Thr). This variant is not present in population databases (gnomAD no frequency). This variant has not been reported in the literature in individuals affected with SYNE2-related conditions. ClinVar contains an entry for this variant (Variation ID: 566544). An algorithm developed to predict the effect of missense changes on protein structure and function outputs the following: PolyPhen-2: "Benign". The threonine amino acid residue is found in multiple mammalian species, which suggests that this missense change does not adversely affect protein function. In summary, the available evidence is currently insufficient to determine the role of this variant in disease. Therefore, it has been classified as a Variant of Uncertain Significance.

NM_182914.3(SYNE2):c.12796G>A (p.Ala4266Thr)

Gene: SYNE2 (spectrin repeat containing nuclear envelope protein 2; plus strand). Cytogenetic location: 14q23.2.
Variant type: single nucleotide variant.
Coding change: c.12796G>A on transcript NM_182914.3 (MANE Select); coding-DNA position 12796, G replaced by A.
Protein change: p.Ala4266Thr; replaces alanine 4266 with threonine.
Molecular consequence: missense variant.
Genome position (GRCh38, 1-based): chr14:64,113,527, G>A. VCF-style: chr14-64113527-G-A. GRCh37 (hg19) VCF-style: chr14-64580245-G-A.
Other names: c.12796G>A, p.Ala4266Thr (NM_015180.6); short protein forms A4266T.
Identifiers: ClinVar variation 566544 (VCV000566544.8), dbSNP rs1316995826, ClinGen allele CA389958647.
Genomic context (GRCh38, chr14:64,113,527, plus strand): 5'-GCCGAGCTGGAGCTGTGGCTGCAACAAGCCAACGTGGCAGTTGAGCCGGAAACATTAAAC[G>A]CAGACATGCAGCAGGTGCTGGAACAGCAGCTGGTAGGGTGCCAGGTAAGACTGAGAAGTC-3'
Protein context (NP_878918.2, residues 4256-4276): NVAVEPETLN[Ala4266Thr]DMQQVLEQQL